The following is an entry in ClinVar:

ClinVar aggregate classification (germline): Uncertain significance. Review status: criteria provided, multiple submitters, no conflicts (2 of 4 stars). 5 submissions from 5 submitters: Uncertain significance (5). Last evaluated 2026-02-03.

Conditions:
Hereditary cancer-predisposing syndrome. Also called: Neoplastic Syndromes, Hereditary; Hereditary neoplastic syndrome; Tumor predisposition; Hereditary Cancer Syndrome. Identifiers: Orphanet 140162, MedGen C0027672, MeSH D009386, MONDO:0015356.
Ataxia-telangiectasia syndrome (AT). Also called: Ataxia telangiectasia (A-T); Cerebello-oculocutaneous telangiectasia; Immunodeficiency with ataxia telangiectasia; LOUIS-BAR SYNDROME; AT, COMPLEMENTATION GROUP C; ATAXIA-TELANGIECTASIA, FRESNO VARIANT. Identifiers: Orphanet 100, MedGen C0004135, MONDO:0008840, OMIM 208900.

Submissions (5):

Labcorp Genetics (formerly Invitae), Labcorp
Classification: Uncertain significance for Ataxia-telangiectasia syndrome. Last evaluated: 2026-02-03. Review status: criteria provided, single submitter. Criteria: Invitae Variant Classification Sherloc (09022015). Collection method: clinical testing. Allele origin: germline.
Comment: This sequence change replaces valine, which is neutral and non-polar, with glycine, which is neutral and non-polar, at codon 1941 of the ATM protein (p.Val1941Gly). This variant is not present in population databases (gnomAD no frequency). This variant has not been reported in the literature in individuals affected with ATM-related conditions. ClinVar contains an entry for this variant (Variation ID: 233324). Invitae Evidence Modeling of protein sequence and biophysical properties (such as structural, functional, and spatial information, amino acid conservation, physicochemical variation, residue mobility, and thermodynamic stability) indicates that this missense variant is expected to disrupt ATM protein function with a positive predictive value of 95%. In summary, the available evidence is currently insufficient to determine the role of this variant in disease. Therefore, it has been classified as a Variant of Uncertain Significance.

Athena Diagnostics
Classification: Uncertain significance. Last evaluated: 2025-09-23. Review status: criteria provided, single submitter. Criteria: Athena Diagnostics Criteria. Collection method: clinical testing. Allele origin: unknown.
Comment: Available data are insufficient to determine the clinical significance of the variant at this time. This variant has not been reported in large, multi-ethnic general populations. This variant has been identified in at least one individual with clinical features associated with this gene. Polyphen and MutationTaster predict this amino acid change may be damaging to the protein.

Color Diagnostics, LLC DBA Color Health
Classification: Uncertain significance for Hereditary cancer-predisposing syndrome. Last evaluated: 2024-03-06. Review status: criteria provided, single submitter. Criteria: ACMG Guidelines, 2015. Collection method: clinical testing. Allele origin: germline.
Comment: This missense variant replaces valine with glycine at codon 1941 of the ATM protein. Computational prediction suggests that this variant may have deleterious impact on protein structure and function (internally defined REVEL score threshold >= 0.7, PMID: 27666373). To our knowledge, functional studies have not been reported for this variant. This variant has not been reported in individuals affected with hereditary cancer in the literature. This variant has not been identified in the general population by the Genome Aggregation Database (gnomAD). The available evidence is insufficient to determine the role of this variant in disease conclusively. Therefore, this variant is classified as a Variant of Uncertain Significance.

Ambry Genetics
Classification: Uncertain significance for Hereditary cancer-predisposing syndrome. Last evaluated: 2024-01-05. Review status: criteria provided, single submitter. Criteria: Ambry Variant Classification Scheme 2023. Collection method: clinical testing. Allele origin: germline.
Comment: The p.V1941G variant (also known as c.5822T>G), located in coding exon 38 of the ATM gene, results from a T to G substitution at nucleotide position 5822. The valine at codon 1941 is replaced by glycine, an amino acid with dissimilar properties. This amino acid position is highly conserved in available vertebrate species. In addition, this alteration is predicted to be deleterious by in silico analysis. Since supporting evidence is limited at this time, the clinical significance of this alteration remains unclear.

PreventionGenetics, part of Exact Sciences
Classification: Uncertain significance. Last evaluated: 2017-08-17. Review status: criteria provided, single submitter. Criteria: ACMG Guidelines, 2015. Collection method: clinical testing. Allele origin: germline.

NM_000051.4(ATM):c.5822T>G (p.Val1941Gly)

Genes: ATM (ATM serine/threonine kinase; plus strand), C11orf65 (chromosome 11 open reading frame 65; minus strand). Cytogenetic location: 11q22.3.
Variant type: single nucleotide variant.
Coding change: c.5822T>G on transcript NM_000051.4 (MANE Select); coding-DNA position 5822, T replaced by G.
Protein change: p.Val1941Gly; replaces valine 1941 with glycine.
Molecular consequence: missense variant. On other transcripts: intron variant (2).
Genome position (GRCh38, 1-based): chr11:108,310,219, T>G. VCF-style: chr11-108310219-T-G. GRCh37 (hg19) VCF-style: chr11-108180946-T-G.
Other names: c.5822T>G, p.Val1941Gly (NM_001351834.2); c.641-1148A>C (NM_001330368.2); c.*39-1148A>C (NM_001351110.2); short protein forms V1941G.
Identifiers: ClinVar variation 233324 (VCV000233324.19), dbSNP rs876660334, ClinGen allele CA10579199.